The following is an entry in ClinVar:

NM_181712.5(KANK4):c.857C>T (p.Pro286Leu)

Gene: KANK4 (KN motif and ankyrin repeat domains 4; minus strand). Cytogenetic location: 1p31.3.
Variant type: single nucleotide variant.
Coding change: c.857C>T on transcript NM_181712.5 (MANE Select); coding-DNA position 857, C replaced by T.
Protein change: p.Pro286Leu; replaces proline 286 with leucine.
Molecular consequence: missense variant. On other transcripts: intron variant (1).
Genome position (GRCh38, 1-based): chr1:62,274,247, G>A on the plus strand (C>T on the coding strand, the complement: KANK4 is on the minus strand). VCF-style: chr1-62274247-G-A. GRCh37 (hg19) VCF-style: chr1-62739919-G-A.
Other names: c.17-2658C>T (NM_001320269.2); short protein forms P286L.
Identifiers: ClinVar variation 711274 (VCV000711274.38), dbSNP rs72925715, ClinGen allele CA884480.

ClinVar aggregate classification (germline): Benign/Likely benign. Review status: criteria provided, multiple submitters, no conflicts (2 of 4 stars). 4 submissions from 4 submitters: Benign (2); Likely benign (2). Last evaluated 2026-01-08.

Allele frequency attached by ClinVar (database versions not stated): gnomAD exomes 0.00193; ExAC 0.00202; ESP Exome Variant Server 0.00500; gnomAD 0.00511 and 0.00535; 1000 Genomes Project 0.00559; TOPMed 0.00574; 1000 Genomes Project 30x 0.00625.
gnomAD v4.1: 2,274 of 1,613,996 alleles (0.14%); highest among the groups gnomAD compares: African/African-American, 1.4%; 13 homozygotes.

Submissions (4):

Labcorp Genetics (formerly Invitae), Labcorp
Classification: Benign. Last evaluated: 2026-01-08. Review status: criteria provided, single submitter. Criteria: Invitae Variant Classification Sherloc (09022015). Collection method: clinical testing. Allele origin: germline.

GeneDx
Classification: Likely benign. Last evaluated: 2024-01-23. Review status: criteria provided, single submitter. Criteria: GeneDx Variant Classification Process June 2021. Collection method: clinical testing. Allele origin: germline. Affected: yes.
Comment: See Variant Classification Assertion Criteria.

CeGaT Center for Human Genetics Tuebingen
Classification: Benign. Last evaluated: 2023-04-01. Review status: criteria provided, single submitter. Criteria: CeGaT Center For Human Genetics Tuebingen Variant Classification Criteria Version 2. Collection method: clinical testing. Allele origin: germline. Affected: yes. Observed: 1 variant allele.
Comment: KANK4: BS1, BS2

Breakthrough Genomics
Classification: Likely benign. Review status: criteria provided, single submitter. Criteria: ACMG Guidelines, 2015. Collection method: not provided. Allele origin: germline. Inheritance: Unknown mechanism. Affected: yes.